The following is an entry in ClinVar:

ClinVar aggregate classification (germline): Likely benign (0 of 4 stars; one submission).

Conditions:
AP4S1-related disorder.

Submission:

PreventionGenetics, part of Exact Sciences
Classification: Likely benign for AP4S1-related condition. Last evaluated: 2019-09-04. Review status: no assertion criteria provided. Collection method: clinical testing. Allele origin: germline.
Comment: This variant is classified as likely benign based on ACMG/AMP sequence variant interpretation guidelines (Richards et al. 2015 PMID: 25741868, with internal and published modifications).

NM_001128126.3(AP4S1):c.402T>G (p.Pro134=)

Gene: AP4S1 (adaptor related protein complex 4 subunit sigma 1; plus strand). Cytogenetic location: 14q12.
Variant type: single nucleotide variant.
Coding change: c.402T>G on transcript NM_001128126.3 (MANE Select); coding-DNA position 402, T replaced by G.
Protein change: p.Pro134=; no amino-acid change (proline 134 retained).
Molecular consequence: synonymous variant.
Genome position (GRCh38, 1-based): chr14:31,093,002, T>G. VCF-style: chr14-31093002-T-G. GRCh37 (hg19) VCF-style: chr14-31562208-T-G.
Other names: c.402T>G, p.Pro134= (NM_001254728.2, NM_001254729.2).
Identifiers: ClinVar variation 3053732 (VCV003053732.2), dbSNP rs2502522884, ClinGen allele CA485839213.